The following is an entry in ClinVar:

NM_012193.4(FZD4):c.1595G>A (p.Gly532Asp)

Genes: FZD4 (frizzled class receptor 4; minus strand), PRSS23 (serine protease 23; plus strand). Cytogenetic location: 11q14.2.
Variant type: single nucleotide variant.
Coding change: c.1595G>A on transcript NM_012193.4 (MANE Select); coding-DNA position 1595, G replaced by A.
Protein change: p.Gly532Asp; replaces glycine 532 with aspartic acid.
Molecular consequence: missense variant.
Genome position (GRCh38, 1-based): chr11:86,951,161, C>T on the plus strand (G>A on the coding strand, the complement: FZD4 is on the minus strand). VCF-style: chr11-86951161-C-T. GRCh37 (hg19) VCF-style: chr11-86662203-C-T.
Other names: short protein forms G532D.
Identifiers: ClinVar variation 3349882 (VCV003349882.1).

ClinVar aggregate classification (germline): Uncertain significance (0 of 4 stars; one submission).

Conditions:
FZD4-related disorder. Also called: FZD4-related condition.

gnomAD v4.1: 2 of 1,614,106 alleles (0.00012%); highest among the groups gnomAD compares: Non-Finnish European, 0.00017%; no homozygotes.

Submission:

PreventionGenetics, part of Exact Sciences
Classification: Uncertain significance for FZD4-related condition. Last evaluated: 2024-04-03. Review status: no assertion criteria provided. Collection method: clinical testing. Allele origin: germline.
Comment: The FZD4 c.1595G>A variant is predicted to result in the amino acid substitution p.Gly532Asp. To our knowledge, this variant has not been reported in the literature or in a large population database, indicating this variant is rare. At this time, the clinical significance of this variant is uncertain due to the absence of conclusive functional and genetic evidence.